The following is an entry in ClinVar:

ClinVar aggregate classification (germline): Benign (1 of 4 stars; one submission).

gnomAD v4.1: 24,528 of 1,601,136 alleles (1.5%); highest among the groups gnomAD compares: Non-Finnish European, 1.8%; 244 homozygotes.

Submission:

Mayo Clinic Laboratories, Mayo Clinic
Classification: Benign. Last evaluated: 2023-01-04. Review status: criteria provided, single submitter. Criteria: ACMG Guidelines, 2015. Collection method: clinical testing. Allele origin: germline. Observed: 29 variant alleles.
Comment: BS1, BS2, BP4

NM_007098.4(CLTCL1):c.3259G>A (p.Glu1087Lys)

Gene: CLTCL1 (clathrin heavy chain like 1; minus strand). Cytogenetic location: 22q11.21.
Variant type: single nucleotide variant.
Coding change: c.3259G>A on transcript NM_007098.4 (MANE Select); coding-DNA position 3259, G replaced by A.
Protein change: p.Glu1087Lys; replaces glutamic acid 1087 with lysine.
Molecular consequence: missense variant.
Genome position (GRCh38, 1-based): chr22:19,209,105, C>T on the plus strand (G>A on the coding strand, the complement: CLTCL1 is on the minus strand). VCF-style: chr22-19209105-C-T. GRCh37 (hg19) VCF-style: chr22-19196615-C-T.
Other names: p.Glu1087Lys; c.3259G>A, p.Glu1087Lys (NM_001835.4); short protein forms E1087K.
Identifiers: ClinVar variation 4684454 (VCV004684454.1).